The following is an entry in ClinVar:

ClinVar aggregate classification (germline): Uncertain significance (1 of 4 stars; one submission).

gnomAD v4.1: 2 of 1,549,754 alleles (0.00013%); highest among the groups gnomAD compares: Non-Finnish European, 0.00017%; no homozygotes.

Submission:

GeneDx
Classification: Uncertain significance. Last evaluated: 2026-03-15. Review status: criteria provided, single submitter. Criteria: GeneDx Variant Classification Process June 2021. Collection method: clinical testing. Allele origin: germline.
Comment: Not observed at significant frequency in large population cohorts (gnomAD); In silico analysis suggests that this missense variant does not alter protein structure/function; Has not been previously published as pathogenic or benign to our knowledge

NM_138576.4(BCL11B):c.1867T>C (p.Phe623Leu)

Gene: BCL11B (BCL11 transcription factor B; minus strand). Cytogenetic location: 14q32.2.
Variant type: single nucleotide variant.
Coding change: c.1867T>C on transcript NM_138576.4 (MANE Select); coding-DNA position 1867, T replaced by C.
Protein change: p.Phe623Leu; replaces phenylalanine 623 with leucine.
Molecular consequence: missense variant.
Genome position (GRCh38, 1-based): chr14:99,174,969, A>G on the plus strand (T>C on the coding strand, the complement: BCL11B is on the minus strand). VCF-style: chr14-99174969-A-G. GRCh37 (hg19) VCF-style: chr14-99641306-A-G.
Other names: c.1864T>C, p.Phe622Leu (NM_001282237.2); c.1651T>C, p.Phe551Leu (NM_001282238.2); c.1654T>C, p.Phe552Leu (NM_022898.3); short protein forms F622L, F623L, F551L, F552L.
Identifiers: ClinVar variation 5009240 (VCV005009240.1).